The following is an entry in ClinVar:

NM_000059.4(BRCA2):c.6697G>C (p.Ala2233Pro)

Gene: BRCA2 (BRCA2 DNA repair associated; plus strand). Cytogenetic location: 13q13.1.
Variant type: single nucleotide variant.
Coding change: c.6697G>C on transcript NM_000059.4 (MANE Select); coding-DNA position 6697, G replaced by C.
Protein change: p.Ala2233Pro; replaces alanine 2233 with proline.
Molecular consequence: missense variant.
Genome position (GRCh38, 1-based): chr13:32,341,052, G>C. VCF-style: chr13-32341052-G-C. GRCh37 (hg19) VCF-style: chr13-32915189-G-C.
Other names: short protein forms A2233P.
Identifiers: ClinVar variation 409441 (VCV000409441.12), dbSNP rs1060502396, ClinGen allele CA16614001.
Genomic context (GRCh38, chr13:32,341,052, plus strand): 5'-TCTACTTACTCCAAAGATTCAGAAAACTACTTTGAAACAGAAGCAGTAGAAATTGCTAAA[G>C]CTTTTATGGAAGATGATGAACTGACAGATTCTAAACTGCCAAGTCATGCCACACATTCTC-3'
Protein context (NP_000050.3, residues 2223-2243): FETEAVEIAK[Ala2233Pro]FMEDDELTDS

ClinVar aggregate classification (germline): Conflicting classifications of pathogenicity. Review status: criteria provided, conflicting classifications (1 of 4 stars). 3 submissions from 3 submitters: Uncertain significance (2); Likely benign (1). Last evaluated 2023-05-25.

Conditions:
Hereditary cancer-predisposing syndrome. Also called: Tumor predisposition; Hereditary Cancer Syndrome; Hereditary neoplastic syndrome; Neoplastic Syndromes, Hereditary. Identifiers: Orphanet 140162, MedGen C0027672, MeSH D009386, MONDO:0015356.
Hereditary breast ovarian cancer syndrome. Also called: Hereditary breast and ovarian cancer; Hereditary breast and/or ovarian cancer syndrome; BRCA1- and BRCA2-Associated Hereditary Breast and Ovarian Cancer; Hereditary breast and ovarian cancer syndrome; Hereditary breast and ovarian cancer syndrome (HBOC); Breast and ovarian cancer. Identifiers: Orphanet 145, MedGen C0677776, MeSH D061325, MONDO:0003582. Disease mechanism: loss of function.

Submissions (3):

Ambry Genetics
Classification: Uncertain significance for Hereditary cancer-predisposing syndrome. Last evaluated: 2023-05-25. Review status: criteria provided, single submitter. Criteria: Ambry Variant Classification Scheme 2023. Collection method: clinical testing. Allele origin: germline.
Comment: The p.A2233P variant (also known as c.6697G>C), located in coding exon 10 of the BRCA2 gene, results from a G to C substitution at nucleotide position 6697. The alanine at codon 2233 is replaced by proline, an amino acid with highly similar properties. This amino acid position is conserved. In addition, this alteration is predicted to be deleterious by in silico analysis. Since supporting evidence is limited at this time, the clinical significance of this alteration remains unclear.

University of Washington Department of Laboratory Medicine, University of Washington
Classification: Likely benign for Hereditary cancer-predisposing syndrome. Last evaluated: 2023-03-23. Review status: criteria provided, single submitter. Criteria: Dines et al. (Genet Med. 2020). Collection method: curation. Allele origin: germline.
Comment: Missense variant in a coldspot region where missense variants are very unlikely to be pathogenic (PMID:31911673).

BRCA2 exon 11 coldspot. Reclassification based on statistical prior probability.

Labcorp Genetics (formerly Invitae), Labcorp
Classification: Uncertain significance for Hereditary breast ovarian cancer syndrome. Last evaluated: 2016-06-14. Review status: criteria provided, single submitter. Criteria: Invitae Variant Classification Sherloc (09022015). Collection method: clinical testing. Allele origin: germline.
Comment: In summary, this variant is a novel missense change with uncertain impact on protein function. It has been classified as a Variant of Uncertain Significance. Algorithms developed to predict the effect of missense changes on protein structure and function do not agree on the potential impact of this missense change (SIFT: "Deleterious"; PolyPhen-2: "Probably Damaging"; Align-GVGD: "Class C0"). This variant is not present in population databases (ExAC no frequency) and has not been reported in the literature in individuals with a BRCA2-related disease. This sequence change replaces alanine with proline at codon 2233 of the BRCA2 protein (p.Ala2233Pro). The alanine residue is highly conserved and there is a small physicochemical difference between alanine and proline.